The following is an entry in ClinVar:

ClinVar aggregate classification (germline): Pathogenic (1 of 4 stars; one submission).

Submission:

Labcorp Genetics (formerly Invitae), Labcorp
Classification: Pathogenic. Last evaluated: 2025-08-25. Review status: criteria provided, single submitter. Criteria: Invitae Variant Classification Sherloc (09022015). Collection method: clinical testing. Allele origin: germline.
Comment: This sequence change creates a premature translational stop signal (p.Lys791Glnfs*10) in the SKIV2L gene. It is expected to result in an absent or disrupted protein product. Loss-of-function variants in SKIV2L are known to be pathogenic (PMID: 22444670). This variant is not present in population databases (gnomAD no frequency). This variant has not been reported in the literature in individuals affected with SKIV2L-related conditions. For these reasons, this variant has been classified as Pathogenic.

Literature cited by the submitters: PubMed 22444670.

NM_006929.5(SKIC2):c.2370dup (p.Lys791fs)

Gene: SKIC2 (SKI2 subunit of superkiller complex; plus strand). Cytogenetic location: 6p21.33.
Variant type: Duplication.
Coding change: c.2370dup on transcript NM_006929.5 (MANE Select); coding-DNA position 2370, one base duplicated (C; older notation c.2370dupC).
Protein change: p.Lys791fs; shifts the reading frame from lysine 791.
Molecular consequence: frameshift variant.
Genome position (GRCh38, 1-based): chr6:31,967,033, C duplicated; the last of 2 consecutive C bases (chr6:31,967,032-31,967,033); duplicating either gives the same sequence. VCF-style (leftmost placement, unchanged base first): chr6-31967031-A-AC. GRCh37 (hg19) VCF-style: chr6-31934808-A-AC.
Other names: short protein forms K791fs.
Identifiers: ClinVar variation 4766042 (VCV004766042.1).